The following is an entry in ClinVar:

NM_000257.4(MYH7):c.4490C>A (p.Thr1497Asn)

Genes: MHRT (myosin heavy chain associated RNA transcript; plus strand), MYH7 (myosin heavy chain 7; minus strand). Cytogenetic location: 14q11.2.
Variant type: single nucleotide variant.
Coding change: c.4490C>A on transcript NM_000257.4 (MANE Select); coding-DNA position 4490, C replaced by A.
Protein change: p.Thr1497Asn; replaces threonine 1497 with asparagine.
Molecular consequence: missense variant.
Genome position (GRCh38, 1-based): chr14:23,417,182, G>T on the plus strand (C>A on the coding strand, the complement: MYH7 is on the minus strand). VCF-style: chr14-23417182-G-T. GRCh37 (hg19) VCF-style: chr14-23886391-G-T.
Other names: c.4490C>A, p.Thr1497Asn (NM_001407004.1); short protein forms T1497N.
Identifiers: ClinVar variation 3073075 (VCV003073075.1), dbSNP rs1488630967, ClinGen allele CA389038302.
Genomic context (GRCh38, chr14:23,417,182, plus strand): 5'-CCCTCCCCAGCCTCTTGGGCCCCCAGCACACCCTGCAGGTTTTTGTTCTCCCGCTTGAAG[G>T]TCTCCAGATGTTCCAGGGACTCCTCATAGGCGTTCTTGAGTTTGAAGAGCTCTGTGCTGA-3'
Protein context (NP_000248.2, residues 1487-1507): AYEESLEHLE[Thr1497Asn]FKRENKNLQE

ClinVar aggregate classification (germline): Uncertain significance (1 of 4 stars; one submission).

Conditions:
Cardiomyopathy (CMYO). Also called: Cardiomyopathies. Identifiers: Orphanet 167848, MedGen C0878544, MONDO:0004994, HP:0001638. Inheritance: Various modes of inheritance.

Allele frequency attached by ClinVar (database versions not stated): gnomAD exomes below 0.00001; TOPMed below 0.00001; gnomAD 0.00001.
gnomAD v4.1: 2 of 1,614,036 alleles (0.00012%); highest among the groups gnomAD compares: Non-Finnish European, 0.00017%; no homozygotes.

Submission:

All of Us Research Program, National Institutes of Health
Classification: Uncertain significance for Cardiomyopathy. Last evaluated: 2023-08-23. Review status: criteria provided, single submitter. Criteria: ACMG Guidelines, 2015. Collection method: clinical testing. Allele origin: germline. Inheritance: Autosomal dominant inheritance. Observed: 1 variant allele, 1 heterozygote.
Comment: This missense variant replaces threonine with asparagine at codon 1497 of the MYH7 protein. Computational prediction is inconclusive regarding the impact of this variant on protein structure and function (internally defined REVEL score threshold 0.5 < inconclusive < 0.7, PMID: 27666373). To our knowledge, functional studies have not been reported for this variant. This variant has not been reported in individuals affected with MYH7-related disorders in the literature. This variant has been identified in 1/31384 chromosomes in the general population by the Genome Aggregation Database (gnomAD). The available evidence is insufficient to determine the role of this variant in disease conclusively. Therefore, this variant is classified as a Variant of Uncertain Significance.

This study involves interpretation of variants in research participants for the purpose of population health screening. Participant phenotype was not available at the time of variant classification. Additional details can be found in publication PMID: 35346344, PMCID: PMC8962531